The following is an entry in ClinVar:

ClinVar aggregate classification (germline): Pathogenic (1 of 4 stars; one submission).

Conditions:
Hyper-IgM syndrome type 1. Also called: Hyper-IgM Immunodeficiency Syndrome, Type 1; X-linked hyper-IgM syndrome; Immunodeficiency, X-linked, with hyper-IgM; CD40 Ligand Deficiency. Identifiers: Orphanet 101088, MedGen C0398689, MONDO:0010626, OMIM 308230.

Submission:

Labcorp Genetics (formerly Invitae), Labcorp
Classification: Pathogenic for Hyper-IgM syndrome type 1. Last evaluated: 2024-10-06. Review status: criteria provided, single submitter. Criteria: Invitae Variant Classification Sherloc (09022015). Collection method: clinical testing. Allele origin: germline.
Comment: This sequence change creates a premature translational stop signal (p.Tyr170Leufs*31) in the CD40LG gene. While this is not anticipated to result in nonsense mediated decay, it is expected to disrupt the last 92 amino acid(s) of the CD40LG protein. This variant is not present in population databases (gnomAD no frequency). This variant has not been reported in the literature in individuals affected with CD40LG-related conditions. ClinVar contains an entry for this variant (Variation ID: 854923). This variant disrupts a region of the CD40LG protein in which other variant(s) (p.Gln221*) have been determined to be pathogenic (PMID: 7906987). This suggests that this is a clinically significant region of the protein, and that variants that disrupt it are likely to be disease-causing. For these reasons, this variant has been classified as Pathogenic.

Literature cited by the submitters: PubMed 7906987.

NM_000074.3(CD40LG):c.508dup (p.Tyr170fs)

Gene: CD40LG (CD40 ligand; plus strand). Cytogenetic location: Xq26.3.
Variant type: Duplication.
Coding change: c.508dup on transcript NM_000074.3 (MANE Select); coding-DNA position 508, one base duplicated (T; older notation c.508dupT).
Protein change: p.Tyr170fs; shifts the reading frame from tyrosine 170.
Molecular consequence: frameshift variant.
Genome position (GRCh38, 1-based): chrX:136,659,137, T duplicated; the last of 2 consecutive T bases (chrX:136,659,136-136,659,137); duplicating either gives the same sequence. VCF-style (leftmost placement, unchanged base first): chrX-136659135-A-AT. GRCh37 (hg19) VCF-style: chrX-135741294-A-AT.
Other names: short protein forms Y170fs.
Identifiers: ClinVar variation 854923 (VCV000854923.10), dbSNP rs2076127075, ClinGen allele CA916081280.